The following is an entry in ClinVar:

ClinVar aggregate classification (germline): Uncertain significance (1 of 4 stars; one submission).

Conditions:
Hereditary spastic paraplegia 11. Also called: Spastic Paraplegia 11; SPASTIC PARAPLEGIA, AUTOSOMAL RECESSIVE, COMPLICATED, WITH THIN CORPUS CALLOSUM; SPASTIC PARAPLEGIA, AUTOSOMAL RECESSIVE, WITH MENTAL IMPAIRMENT AND THIN CORPUS CALLOSUM; Spastic paraplegia, mental retardation and thin corpus callosum; Nakamura Osame syndrome; Autosomal recessive hereditary spastic paraplegia, mental impairment, and thin corpus callosum. Identifiers: Orphanet 2822, MedGen C1858479, MONDO:0011445, OMIM 604360.

Submission:

Labcorp Genetics (formerly Invitae), Labcorp
Classification: Uncertain significance for Hereditary spastic paraplegia 11. Last evaluated: 2022-01-03. Review status: criteria provided, single submitter. Criteria: Invitae Variant Classification Sherloc (09022015). Collection method: clinical testing. Allele origin: germline.
Comment: This sequence change replaces lysine, which is basic and polar, with arginine, which is basic and polar, at codon 121 of the SPG11 protein (p.Lys121Arg). This variant is not present in population databases (gnomAD no frequency). In summary, the available evidence is currently insufficient to determine the role of this variant in disease. Therefore, it has been classified as a Variant of Uncertain Significance. Algorithms developed to predict the effect of missense changes on protein structure and function output the following: SIFT: "Tolerated"; PolyPhen-2: "Benign"; Align-GVGD: "Class C0". The arginine amino acid residue is found in multiple mammalian species, which suggests that this missense change does not adversely affect protein function. This variant has not been reported in the literature in individuals affected with SPG11-related conditions.

NM_025137.4(SPG11):c.362A>G (p.Lys121Arg)

Gene: SPG11 (SPG11 vesicle trafficking associated, spatacsin; minus strand). Cytogenetic location: 15q21.1.
Variant type: single nucleotide variant.
Coding change: c.362A>G on transcript NM_025137.4 (MANE Select); coding-DNA position 362, A replaced by G.
Protein change: p.Lys121Arg; replaces lysine 121 with arginine.
Molecular consequence: missense variant.
Genome position (GRCh38, 1-based): chr15:44,660,512, T>C on the plus strand (A>G on the coding strand, the complement: SPG11 is on the minus strand). VCF-style: chr15-44660512-T-C. GRCh37 (hg19) VCF-style: chr15-44952710-T-C.
Other names: c.362A>G, p.Lys121Arg (NM_001160227.2, NM_001411132.1); short protein forms K121R.
Identifiers: ClinVar variation 2072113 (VCV002072113.4), dbSNP rs2505776125, ClinGen allele CA392238242.